The following is an entry in ClinVar:

ClinVar aggregate classification (germline): Uncertain significance (1 of 4 stars; one submission).

Submission:

GeneDx
Classification: Uncertain significance. Last evaluated: 2022-01-28. Review status: criteria provided, single submitter. Criteria: GeneDx Variant Classification Process June 2021. Collection method: clinical testing. Allele origin: germline. Affected: yes.
Comment: Not observed at significant frequency in large population cohorts (gnomAD); In silico analysis supports that this missense variant has a deleterious effect on protein structure/function; Has not been previously published as pathogenic or benign to our knowledge

NM_001378414.1(HDAC4):c.371A>C (p.Gln124Pro)

Gene: HDAC4 (histone deacetylase 4; minus strand). Cytogenetic location: 2q37.3.
Variant type: single nucleotide variant.
Coding change: c.371A>C on transcript NM_001378414.1 (MANE Select); coding-DNA position 371, A replaced by C.
Protein change: p.Gln124Pro; replaces glutamine 124 with proline.
Molecular consequence: missense variant.
Genome position (GRCh38, 1-based): chr2:239,176,532, T>G on the plus strand (A>C on the coding strand, the complement: HDAC4 is on the minus strand). VCF-style: chr2-239176532-T-G. GRCh37 (hg19) VCF-style: chr2-240098228-T-G.
Other names: c.371A>C, p.Gln124Pro (NM_001378415.1, NM_001378416.1, NM_001378417.1 and 1 more transcripts); short protein forms Q124P.
Identifiers: ClinVar variation 1699596 (VCV001699596.2), dbSNP rs1157607258, ClinGen allele CA351274827.